The following is an entry in ClinVar:

NM_000266.4(NDP):c.388G>T (p.Glu130Ter)

Genes: NDP (norrin cystine knot growth factor NDP; minus strand), NDP-AS1 (NDP antisense RNA 1; plus strand). Cytogenetic location: Xp11.3.
Variant type: single nucleotide variant.
Coding change: c.388G>T on transcript NM_000266.4 (MANE Select); coding-DNA position 388, G replaced by T.
Protein change: p.Glu130Ter; replaces glutamic acid 130 with a stop codon.
Molecular consequence: nonsense. On other transcripts: non-coding transcript variant (1).
Genome position (GRCh38, 1-based): chrX:43,949,813, C>A on the plus strand (G>T on the coding strand, the complement: NDP is on the minus strand). VCF-style: chrX-43949813-C-A. GRCh37 (hg19) VCF-style: chrX-43809059-C-A.
Other names: short protein forms E130*.
Identifiers: ClinVar variation 2430453 (VCV002430453.1), dbSNP rs2035749634, ClinGen allele CA413007259.

ClinVar aggregate classification (germline): Likely pathogenic (1 of 4 stars; one submission).

Submission:

GeneDx
Classification: Likely pathogenic. Last evaluated: 2022-08-19. Review status: criteria provided, single submitter. Criteria: GeneDx Variant Classification Process June 2021. Collection method: clinical testing. Allele origin: germline. Affected: yes.
Comment: Observed in hemizygous state in two unrelated patients with features of NDP-related retinal vascular disorder in the published literature (Khetan et al., 2016; Tao et al., 2021) and not observed in hemizygous state in controls; Nonsense variant in the C-terminus predicted to result in protein truncation, as the last 4 amino acids are lost, and other loss-of-function variants have been reported downstream in HGMD; Not observed at significant frequency in large population cohorts (gnomAD); This variant is associated with the following publications: (PMID: 34860240, 27380984)